The following is an entry in ClinVar:

NM_206933.4(USH2A):c.9259-10A>G

Gene: USH2A (usherin; minus strand). Cytogenetic location: 1q41.
Variant type: single nucleotide variant.
Coding change: c.9259-10A>G on transcript NM_206933.4 (MANE Select); 10 bases into the intron before coding-DNA position 9259, A replaced by G.
Molecular consequence: intron variant.
Genome position (GRCh38, 1-based): chr1:215,838,113, T>C on the plus strand (A>G on the coding strand, the complement: USH2A is on the minus strand). VCF-style: chr1-215838113-T-C. GRCh37 (hg19) VCF-style: chr1-216011455-T-C.
Identifiers: ClinVar variation 1991053 (VCV001991053.4), dbSNP rs2464586552, ClinGen allele CA2580062075.

ClinVar aggregate classification (germline): Uncertain significance (1 of 4 stars; one submission).

Allele frequency attached by ClinVar (database versions not stated): gnomAD exomes below 0.00001.
gnomAD v4.1: 1 of 1,607,220 alleles (0.000062%); highest among the groups gnomAD compares: Non-Finnish European, 0.000085%; no homozygotes.

Submission:

Labcorp Genetics (formerly Invitae), Labcorp
Classification: Uncertain significance. Last evaluated: 2022-03-09. Review status: criteria provided, single submitter. Criteria: Invitae Variant Classification Sherloc (09022015). Collection method: clinical testing. Allele origin: germline.
Comment: In summary, the available evidence is currently insufficient to determine the role of this variant in disease. Therefore, it has been classified as a Variant of Uncertain Significance. Algorithms developed to predict the effect of sequence changes on RNA splicing suggest that this variant may disrupt the consensus splice site. This variant has not been reported in the literature in individuals affected with USH2A-related conditions. This variant is not present in population databases (gnomAD no frequency). This sequence change falls in intron 46 of the USH2A gene. It does not directly change the encoded amino acid sequence of the USH2A protein.